The following is an entry in ClinVar:

NM_000400.4(ERCC2):c.579C>G (p.Phe193Leu)

Gene: ERCC2 (ERCC excision repair 2, TFIIH core complex helicase subunit; minus strand). Cytogenetic location: 19q13.32.
Variant type: single nucleotide variant.
Coding change: c.579C>G on transcript NM_000400.4 (MANE Select); coding-DNA position 579, C replaced by G.
Protein change: p.Phe193Leu; replaces phenylalanine 193 with leucine.
Molecular consequence: missense variant.
Genome position (GRCh38, 1-based): chr19:45,364,853, G>C on the plus strand (C>G on the coding strand, the complement: ERCC2 is on the minus strand). VCF-style: chr19-45364853-G-C. GRCh37 (hg19) VCF-style: chr19-45868111-G-C.
Other names: c.507C>G, p.Phe169Leu (NM_001130867.2); short protein forms F169L, F193L.
Identifiers: ClinVar variation 1749696 (VCV001749696.2), dbSNP rs1054890454, ClinGen allele CA308969663.

ClinVar aggregate classification (germline): Uncertain significance (1 of 4 stars; one submission).

Conditions:
Inborn genetic diseases. Identifiers: MedGen C0950123, MeSH D030342.

Submission:

Ambry Genetics
Classification: Uncertain significance for Inborn genetic diseases. Last evaluated: 2022-02-21. Review status: criteria provided, single submitter. Criteria: Ambry Variant Classification Scheme 2023. Collection method: clinical testing. Allele origin: germline.
Comment: The p.F193L variant (also known as c.579C>G), located in coding exon 7 of the ERCC2 gene, results from a C to G substitution at nucleotide position 579. The phenylalanine at codon 193 is replaced by leucine, an amino acid with highly similar properties. This amino acid position is conserved. In addition, the in silico prediction for this alteration is inconclusive. Since supporting evidence is limited at this time, the clinical significance of this alteration remains unclear.